The following is an entry in ClinVar:

NM_000059.4(BRCA2):c.3360A>T (p.Glu1120Asp)

Gene: BRCA2 (BRCA2 DNA repair associated; plus strand). Cytogenetic location: 13q13.1.
Variant type: single nucleotide variant.
Coding change: c.3360A>T on transcript NM_000059.4 (MANE Select); coding-DNA position 3360, A replaced by T.
Protein change: p.Glu1120Asp; replaces glutamic acid 1120 with aspartic acid.
Molecular consequence: missense variant. On other transcripts: non-coding transcript variant (1), intron variant (2).
Genome position (GRCh38, 1-based): chr13:32,337,715, A>T. VCF-style: chr13-32337715-A-T. GRCh37 (hg19) VCF-style: chr13-32911852-A-T.
Other names: c.3360A>T, p.Glu1120Asp (NM_001406719.1, NM_001406720.1); c.1909+4328A>T (NM_001406721.1); c.424+6685A>T (NM_001406722.1); short protein forms E1120D.
Identifiers: ClinVar variation 2861603 (VCV002861603.3), dbSNP rs2137495828, ClinGen allele CA387776381.

ClinVar aggregate classification (germline): Uncertain significance (1 of 4 stars; one submission).

Conditions:
Hereditary breast ovarian cancer syndrome. Also called: Hereditary breast and ovarian cancer syndrome; Hereditary breast and/or ovarian cancer syndrome; BRCA1- and BRCA2-Associated Hereditary Breast and Ovarian Cancer; Hereditary breast and ovarian cancer syndrome (HBOC); Hereditary breast and ovarian cancer; Breast and ovarian cancer. Identifiers: Orphanet 145, MedGen C0677776, MeSH D061325, MONDO:0003582. Disease mechanism: loss of function.

Submission:

Labcorp Genetics (formerly Invitae), Labcorp
Classification: Uncertain significance for Hereditary breast ovarian cancer syndrome. Last evaluated: 2023-05-03. Review status: criteria provided, single submitter. Criteria: Invitae Variant Classification Sherloc (09022015). Collection method: clinical testing. Allele origin: germline.
Comment: In summary, the available evidence is currently insufficient to determine the role of this variant in disease. Therefore, it has been classified as a Variant of Uncertain Significance. Advanced modeling of protein sequence and biophysical properties (such as structural, functional, and spatial information, amino acid conservation, physicochemical variation, residue mobility, and thermodynamic stability) performed at Invitae indicates that this missense variant is not expected to disrupt BRCA2 protein function. This variant has not been reported in the literature in individuals affected with BRCA2-related conditions. This variant is not present in population databases (gnomAD no frequency). This sequence change replaces glutamic acid, which is acidic and polar, with aspartic acid, which is acidic and polar, at codon 1120 of the BRCA2 protein (p.Glu1120Asp).